The following is an entry in ClinVar:

NM_177438.3(DICER1):c.1707A>G (p.Ile569Met)

Gene: DICER1 (dicer 1, ribonuclease III; minus strand). Cytogenetic location: 14q32.13.
Variant type: single nucleotide variant.
Coding change: c.1707A>G on transcript NM_177438.3 (MANE Select); coding-DNA position 1707, A replaced by G.
Protein change: p.Ile569Met; replaces isoleucine 569 with methionine.
Molecular consequence: missense variant.
Genome position (GRCh38, 1-based): chr14:95,116,498, T>C on the plus strand (A>G on the coding strand, the complement: DICER1 is on the minus strand). VCF-style: chr14-95116498-T-C. GRCh37 (hg19) VCF-style: chr14-95582835-T-C.
Other names: c.1707A>G, p.Ile569Met (NM_001195573.1, NM_001271282.3, NM_001291628.2 and 1 more transcripts); short protein forms I569M.
Identifiers: ClinVar variation 412132 (VCV000412132.14), dbSNP rs774765473, ClinGen allele CA16614694.

ClinVar aggregate classification (germline): Conflicting classifications of pathogenicity. Review status: criteria provided, conflicting classifications (1 of 4 stars). 2 submissions from 2 submitters: Uncertain significance (1); Likely benign (1). Last evaluated 2025-08-30.

Conditions:
DICER1-related tumor predisposition. Also called: DICER1-related pleuropulmonary blastoma cancer predisposition syndrome; DICER1 syndrome. Identifiers: Orphanet 284343, MedGen C3839822, MONDO:0100216.
Hereditary cancer-predisposing syndrome. Also called: Hereditary neoplastic syndrome; Neoplastic Syndromes, Hereditary; Tumor predisposition; Hereditary Cancer Syndrome. Identifiers: Orphanet 140162, MedGen C0027672, MeSH D009386, MONDO:0015356.

Allele frequency attached by ClinVar (database versions not stated): TOPMed below 0.00001; gnomAD 0.00001.
gnomAD v4.1: 3 of 1,613,676 alleles (0.00019%); highest among the groups gnomAD compares: Non-Finnish European, 0.00025%; no homozygotes.

Submissions (2):

Labcorp Genetics (formerly Invitae), Labcorp
Classification: Uncertain significance for DICER1-related tumor predisposition. Last evaluated: 2025-08-30. Review status: criteria provided, single submitter. Criteria: Invitae Variant Classification Sherloc (09022015). Collection method: clinical testing. Allele origin: germline.
Comment: This sequence change replaces isoleucine, which is neutral and non-polar, with methionine, which is neutral and non-polar, at codon 569 of the DICER1 protein (p.Ile569Met). This variant is present in population databases (no rsID available, gnomAD 0.002%). This variant has not been reported in the literature in individuals affected with DICER1-related conditions. ClinVar contains an entry for this variant (Variation ID: 412132). Invitae Evidence Modeling of protein sequence and biophysical properties (such as structural, functional, and spatial information, amino acid conservation, physicochemical variation, residue mobility, and thermodynamic stability) indicates that this missense variant is not expected to disrupt DICER1 protein function with a negative predictive value of 95%. In summary, the available evidence is currently insufficient to determine the role of this variant in disease. Therefore, it has been classified as a Variant of Uncertain Significance.

Ambry Genetics
Classification: Likely benign for Hereditary cancer-predisposing syndrome. Last evaluated: 2018-10-27. Review status: criteria provided, single submitter. Criteria: Ambry Variant Classification Scheme 2023. Collection method: clinical testing. Allele origin: germline.